The following is an entry in ClinVar:

NM_007294.4(BRCA1):c.4676-117T>G

Gene: BRCA1 (BRCA1 DNA repair associated; minus strand). Cytogenetic location: 17q21.31.
Variant type: single nucleotide variant.
Coding change: c.4676-117T>G on transcript NM_007294.4 (MANE Select); 117 bases into the intron before coding-DNA position 4676, T replaced by G.
Molecular consequence: intron variant.
Genome position (GRCh38, 1-based): chr17:43,071,355, A>C on the plus strand (T>G on the coding strand, the complement: BRCA1 is on the minus strand). VCF-style: chr17-43071355-A-C. GRCh37 (hg19) VCF-style: chr17-41223372-A-C.
Other names: c.4547-117T>G (NM_001407688.1, NM_001407682.1, NM_001407689.1 and 6 more transcripts); c.4550-117T>G (NM_001407940.1, NM_001407671.1, NM_001407676.1 and 11 more transcripts); c.4616-117T>G (NM_001407649.1); c.1361-117T>G (NM_001408401.1, NM_001408396.1, NM_001408404.1 and 8 more transcripts); c.1364-117T>G (NM_001407985.1, NM_001408472.1, NM_001407990.1 and 12 more transcripts); c.4667-117T>G (NM_001407644.1, NM_001407645.1); c.4670-117T>G (NM_001407627.1, NM_001407861.1, NM_001407635.1 and 14 more transcripts); c.4673-117T>G (NM_001407614.1, NM_001407626.1, NM_001407617.1 and 17 more transcripts); and 71 more.
Identifiers: ClinVar variation 3261499 (VCV003261499.1).

ClinVar aggregate classification (germline): Uncertain significance (1 of 4 stars; one submission).

Conditions:
Hereditary cancer-predisposing syndrome. Also called: Hereditary Cancer Syndrome; Tumor predisposition; Hereditary neoplastic syndrome; Neoplastic Syndromes, Hereditary. Identifiers: Orphanet 140162, MedGen C0027672, MeSH D009386, MONDO:0015356.

gnomAD v4.1: 2 of 1,156,408 alleles (0.00017%); highest among the groups gnomAD compares: Non-Finnish European, 0.00025%; no homozygotes.

Submission:

Ambry Genetics
Classification: Uncertain significance for Hereditary cancer-predisposing syndrome. Last evaluated: 2024-06-18. Review status: criteria provided, single submitter. Criteria: Ambry Variant Classification Scheme 2023. Collection method: clinical testing. Allele origin: germline.
Comment: The c.4676-117T>G intronic variant results from a T to G substitution 117 nucleotides upstream from coding exon 14 in the BRCA1 gene. This nucleotide position is well conserved in available vertebrate species. In silico splice site analysis predicts that this alteration will result in the creation or strengthening of a novel splice donor site and will result in the creation or strengthening of a novel splice acceptor site. RNA studies have demonstrated that this alteration results in abnormal splicing in the set of samples tested (Ambry internal data). Based on the available evidence, the clinical significance of this variant remains unclear.